The following is an entry in ClinVar:

NM_006514.4(SCN10A):c.4570G>A (p.Val1524Ile)

Gene: SCN10A (sodium voltage-gated channel alpha subunit 10; minus strand). Cytogenetic location: 3p22.2.
Variant type: single nucleotide variant.
Coding change: c.4570G>A on transcript NM_006514.4 (MANE Select); coding-DNA position 4570, G replaced by A.
Protein change: p.Val1524Ile; replaces valine 1524 with isoleucine.
Molecular consequence: missense variant.
Genome position (GRCh38, 1-based): chr3:38,701,926, C>T on the plus strand (G>A on the coding strand, the complement: SCN10A is on the minus strand). VCF-style: chr3-38701926-C-T. GRCh37 (hg19) VCF-style: chr3-38743417-C-T.
Other names: c.4567G>A, p.Val1523Ile (NM_001293306.2); c.4276G>A, p.Val1426Ile (NM_001293307.2); short protein forms V1426I, V1523I, V1524I.
Identifiers: ClinVar variation 2914047 (VCV002914047.3), dbSNP rs770122720, ClinGen allele CA2319871.

ClinVar aggregate classification (germline): Uncertain significance (1 of 4 stars; one submission).

Conditions:
Brugada syndrome. Also called: Sudden unexplained nocturnal death syndrome; Sudden unexpected nocturnal death syndrome; Sudden Unexplained Death Syndrome; Sudden Unexplained Nocturnal Death Syndrome (SUNDS). Identifiers: Orphanet 130, MedGen C1142166, MONDO:0015263.

Allele frequency attached by ClinVar (database versions not stated): gnomAD exomes below 0.00001; ExAC 0.00002; gnomAD 0.00002; TOPMed 0.00002.
gnomAD v4.1: 9 of 1,614,206 alleles (0.00056%); highest among the groups gnomAD compares: East Asian, 0.0022%; no homozygotes.

Submission:

Labcorp Genetics (formerly Invitae), Labcorp
Classification: Uncertain significance for Brugada syndrome. Last evaluated: 2023-05-13. Review status: criteria provided, single submitter. Criteria: Invitae Variant Classification Sherloc (09022015). Collection method: clinical testing. Allele origin: germline.
Comment: This sequence change replaces valine, which is neutral and non-polar, with isoleucine, which is neutral and non-polar, at codon 1524 of the SCN10A protein (p.Val1524Ile). In summary, the available evidence is currently insufficient to determine the role of this variant in disease. Therefore, it has been classified as a Variant of Uncertain Significance. Advanced modeling of protein sequence and biophysical properties (such as structural, functional, and spatial information, amino acid conservation, physicochemical variation, residue mobility, and thermodynamic stability) performed at Invitae indicates that this missense variant is not expected to disrupt SCN10A protein function. This variant has not been reported in the literature in individuals affected with SCN10A-related conditions. This variant is present in population databases (rs770122720, gnomAD 0.002%).